The following is an entry in ClinVar:

NM_001083116.3(PRF1):c.563C>T (p.Pro188Leu)

Gene: PRF1 (perforin 1; minus strand). Cytogenetic location: 10q22.1.
Variant type: single nucleotide variant.
Coding change: c.563C>T on transcript NM_001083116.3 (MANE Select); coding-DNA position 563, C replaced by T.
Protein change: p.Pro188Leu; replaces proline 188 with leucine.
Molecular consequence: missense variant.
Genome position (GRCh38, 1-based): chr10:70,599,158, G>A on the plus strand (C>T on the coding strand, the complement: PRF1 is on the minus strand). VCF-style: chr10-70599158-G-A. GRCh37 (hg19) VCF-style: chr10-72358914-G-A.
Other names: c.563C>T, p.Pro188Leu (NM_005041.6); short protein forms P188L.
Identifiers: ClinVar variation 837165 (VCV000837165.4), dbSNP rs150156593, ClinGen allele CA5538973.

ClinVar aggregate classification (germline): Uncertain significance. Review status: criteria provided, multiple submitters, no conflicts (2 of 4 stars). 4 submissions from 4 submitters: Uncertain significance (4). Last evaluated 2026-08-21.

Conditions:
Inborn genetic diseases. Identifiers: MedGen C0950123, MeSH D030342.
Familial hemophagocytic lymphohistiocytosis 2 (FHL2). Also called: PRF1-Related Familial Hemophagocytic Lymphohistiocytosis (PRF1-fHLH). Identifiers: Orphanet 540, MedGen C1863727, MONDO:0011337, OMIM 603553.

Allele frequency attached by ClinVar (database versions not stated): gnomAD 0.00021 and 0.00019; TOPMed 0.00015; 1000 Genomes Project 30x 0.00016; 1000 Genomes Project 0.00020; ESP Exome Variant Server 0.00038.
gnomAD v4.1: 104 of 1,614,184 alleles (0.0064%); highest among the groups gnomAD compares: African/African-American, 0.069%; no homozygotes.

Submissions (4):

Ambry Genetics
Classification: Uncertain significance for Inborn genetic diseases. Last evaluated: 2026-08-21. Review status: criteria provided, single submitter. Criteria: Ambry Variant Classification Scheme 2023. Collection method: clinical testing. Allele origin: germline.
Comment: The c.563C>T (p.P188L) alteration is located in exon 3 (coding exon 2) of the PRF1 gene. This alteration results from a C to T substitution at nucleotide position 563, causing the proline (P) at amino acid position 188 to be replaced by a leucine (L). Based on data from gnomAD, the T allele has an overall frequency of 0.013% (35/279798) total alleles studied. The highest observed frequency was 0.077% (19/24632) of African alleles. This amino acid position is well conserved in available vertebrate species. This alteration is predicted to be deleterious by in silico analysis. Based on insufficient or conflicting evidence, the clinical significance of this alteration remains unclear.

Blueprint Genetics
Classification: Uncertain significance. Last evaluated: 2024-03-09. Review status: criteria provided, single submitter. Criteria: ACMG Guidelines, 2015. Collection method: clinical testing. Allele origin: germline.

Women's Health and Genetics/Laboratory Corporation of America, LabCorp
Classification: Uncertain significance. Last evaluated: 2022-10-22. Review status: criteria provided, single submitter. Criteria: LabCorp Variant Classification Summary - May 2015. Collection method: clinical testing. Allele origin: germline.
Comment: Variant summary: PRF1 c.563C>T (p.Pro188Leu) results in a non-conservative amino acid change located in the Membrane attack complex component/perforin (MACPF) domain (IPR020864) of the encoded protein sequence. Three of five in-silico tools predict a damaging effect of the variant on protein function. The variant allele was found at a frequency of 0.0001 in 248402 control chromosomes. This frequency is not significantly higher than estimated for a pathogenic variant in PRF1 causing Familial Hemophagocytic Lymphohistiocytosis (0.0001 vs 0.0027), allowing no conclusion about variant significance. c.563C>T has been reported in the literature as a non-informative genotype (second allele not specified) in individuals with suspected/suggestive features of Familial Hemophagocytic Lymphohistiocytosis or Lymphoma (example, Muralitharan_2007, Zhang_2011, Gadoury-Levesque_2020, Ding_2013). These report(s) do not provide unequivocal conclusions about association of the variant with Familial Hemophagocytic Lymphohistiocytosis. To our knowledge, no experimental evidence demonstrating an impact on protein function has been reported. One clinical diagnostic laboratory has submitted clinical-significance assessments for this variant to ClinVar after 2014 without evidence for independent evaluation and classified the variant as uncertain significance. Based on the evidence outlined above, the variant was classified as uncertain significance.

Labcorp Genetics (formerly Invitae), Labcorp
Classification: Uncertain significance for Hemophagocytic lymphohistiocytosis, familial, 2. Last evaluated: 2019-05-31. Review status: criteria provided, single submitter. Criteria: Invitae Variant Classification Sherloc (09022015). Collection method: clinical testing. Allele origin: germline.
Comment: This sequence change replaces proline with leucine at codon 188 of the PRF1 protein (p.Pro188Leu). The proline residue is moderately conserved and there is a moderate physicochemical difference between proline and leucine. This variant is present in population databases (rs150156593, ExAC 0.07%). This variant has been observed in affected individuals in the literature (PMID: 21881043, 24215106), but this single heterozygous variant was unlikely to be the cause of disease in these individuals. Algorithms developed to predict the effect of missense changes on protein structure and function (SIFT, PolyPhen-2, Align-GVGD) all suggest that this variant is likely to be tolerated, but these predictions have not been confirmed by published functional studies and their clinical significance is uncertain. In summary, the available evidence is currently insufficient to determine the role of this variant in disease. Therefore, it has been classified as a Variant of Uncertain Significance.

Literature cited by the submitters: PubMed 17674359 (cited by Women's Health and Genetics/Laboratory Corporation of America, LabCorp); PubMed 32542393 (cited by Women's Health and Genetics/Laboratory Corporation of America, LabCorp); PubMed 21881043 (cited by Women's Health and Genetics/Laboratory Corporation of America, LabCorp and Labcorp Genetics (formerly Invitae), Labcorp); PubMed 25215106 (cited by Women's Health and Genetics/Laboratory Corporation of America, LabCorp); PubMed 24215106 (cited by Labcorp Genetics (formerly Invitae), Labcorp).